The following is an entry in ClinVar:

ClinVar aggregate classification (germline): Pathogenic (0 of 4 stars; one submission).

Conditions:
Angelman syndrome (AS). Also called: HAPPY PUPPET SYNDROME. Identifiers: Orphanet 72, MedGen C0162635, MONDO:0007113, OMIM 105830. Disease mechanism: loss of function. Inheritance: AS is caused by disruption of maternally imprinted UBE3A located within the 15q11.2-q13 Angelman syndrome/Prader-Willi syndrome (AS/PWS) region., imprinting disorder.

Submission:

Baylor Genetics
Classification: Pathogenic for Angelman Syndrome. Last evaluated: 2014-02-14. Review status: no assertion criteria provided. Collection method: clinical testing. Allele origin: germline. Affected: yes. Observed: 1 variant allele. Study: UBE3A Mutation Study.
Comment: Data collected from clinical UBE3A sequence analysis results

Literature cited by the submitters: PubMed 25212744.

NM_130839.5(UBE3A):c.1431T>A (p.Cys477Ter)

Genes: SNHG14 (small nucleolar RNA host gene 14; plus strand), UBE3A (ubiquitin protein ligase E3A; minus strand). Cytogenetic location: 15q11.2.
Variant type: single nucleotide variant.
Coding change: c.1431T>A on transcript NM_130839.5 (MANE Select); coding-DNA position 1431, T replaced by A.
Protein change: p.Cys477Ter; replaces cysteine 477 with a stop codon.
Molecular consequence: nonsense. On other transcripts: non-coding transcript variant (1), intron variant (2).
Genome position (GRCh38, 1-based): chr15:25,370,743, A>T on the plus strand (T>A on the coding strand, the complement: UBE3A is on the minus strand). VCF-style: chr15-25370743-A-T. GRCh37 (hg19) VCF-style: chr15-25615890-A-T.
Other names: c.1440T>A, p.Cys480Ter (NM_000462.5); c.1431T>A, p.Cys477Ter (NM_001354505.1, NM_001354538.2, NM_001354545.2); c.1371T>A, p.Cys457Ter (NM_001354506.2, NM_001354507.2, NM_001354508.2 and 17 more transcripts); c.1254T>A, p.Cys418Ter (NM_001354546.2); c.301+4722T>A (NM_001354551.2); c.361+4722T>A (NM_001354550.2); short protein forms C457*, C477*, C480*, C418*.
Identifiers: ClinVar variation 155952 (VCV000155952.1), dbSNP rs587781201, ClinGen allele CA333317.